The following is an entry in ClinVar:

NM_006005.3(WFS1):c.1556C>T (p.Ala519Val)

Gene: WFS1 (wolframin ER transmembrane glycoprotein; plus strand). Cytogenetic location: 4p16.1.
Variant type: single nucleotide variant.
Coding change: c.1556C>T on transcript NM_006005.3 (MANE Select); coding-DNA position 1556, C replaced by T.
Protein change: p.Ala519Val; replaces alanine 519 with valine.
Molecular consequence: missense variant.
Genome position (GRCh38, 1-based): chr4:6,301,351, C>T. VCF-style: chr4-6301351-C-T. GRCh37 (hg19) VCF-style: chr4-6303078-C-T.
Other names: p.A519V:GCA>GTA; c.1556C>T, p.Ala519Val (NM_001145853.1); short protein forms A519V.
Identifiers: ClinVar variation 166592 (VCV000166592.20), dbSNP rs201557396, ClinGen allele CA295574.

ClinVar aggregate classification (germline): Uncertain significance. Review status: criteria provided, multiple submitters, no conflicts (2 of 4 stars). 6 submissions from 6 submitters: Uncertain significance (6). Last evaluated 2025-06-22.

Conditions:
Cataract 41 (CTRCT41). Also called: CATARACT 41, CONGENITAL NUCLEAR TYPE. Identifiers: Orphanet 91492, Orphanet 98991, Orphanet 98992, Orphanet 98995, MedGen C3805412, MONDO:0007287, OMIM 116400.
Wolfram syndrome 1 (WFS1). Identifiers: Orphanet 3463, MedGen C4551693, MONDO:0009101, OMIM 222300.
Wolfram-like syndrome. Also called: HEARING LOSS, PROGRESSIVE, WITH OPTIC ATROPHY AND/OR IMPAIRED GLUCOSE REGULATION. Identifiers: Orphanet 411590, MedGen C3280358, MONDO:0013673, OMIM 614296.
Autosomal dominant nonsyndromic hearing loss 6 (LFSNHL). Also called: Autosomal dominant nonsyndromic deafness 6; DEAFNESS, AUTOSOMAL DOMINANT 6; DEAFNESS, AUTOSOMAL DOMINANT 14; DEAFNESS, AUTOSOMAL DOMINANT 38. Identifiers: Orphanet 90635, MedGen C1833021, MONDO:0010963, OMIM 600965.
Type 2 diabetes mellitus. Also called: Type II diabetes mellitus. Identifiers: MedGen C0011860, MeSH D003924, MONDO:0005148, OMIM 125853, HP:0005978.

Allele frequency attached by ClinVar (database versions not stated): ExAC 0.00001; gnomAD 0.00001; gnomAD exomes 0.00001; TOPMed 0.00003; 1000 Genomes Project 30x 0.00016; 1000 Genomes Project 0.00020.
gnomAD v4.1: 10 of 1,612,426 alleles (0.00062%); highest among the groups gnomAD compares: Admixed American, 0.0067%; no homozygotes.

Submissions (6):

Labcorp Genetics (formerly Invitae), Labcorp
Classification: Uncertain significance. Last evaluated: 2025-06-22. Review status: criteria provided, single submitter. Criteria: Invitae Variant Classification Sherloc (09022015). Collection method: clinical testing. Allele origin: germline.
Comment: This sequence change replaces alanine, which is neutral and non-polar, with valine, which is neutral and non-polar, at codon 519 of the WFS1 protein (p.Ala519Val). This variant is present in population databases (rs201557396, gnomAD 0.003%). This variant has not been reported in the literature in individuals affected with WFS1-related conditions. ClinVar contains an entry for this variant (Variation ID: 166592). Invitae Evidence Modeling of protein sequence and biophysical properties (such as structural, functional, and spatial information, amino acid conservation, physicochemical variation, residue mobility, and thermodynamic stability) has been performed for this missense variant. However, the output from this modeling did not meet the statistical confidence thresholds required to predict the impact of this variant on WFS1 protein function. In summary, the available evidence is currently insufficient to determine the role of this variant in disease. Therefore, it has been classified as a Variant of Uncertain Significance.

ARUP Laboratories, Molecular Genetics and Genomics, ARUP Laboratories
Classification: Uncertain significance. Last evaluated: 2024-09-13. Review status: criteria provided, single submitter. Criteria: ARUP Molecular Germline Variant Investigation Process 2024. Collection method: clinical testing. Allele origin: germline.
Comment: The WFS1 c.1556C>T; p.Ala519Val variant (rs201557396), to our knowledge, is not reported in the medical literature but is reported in ClinVar (Variation ID: 166592). This variant is only observed on two alleles in the Genome Aggregation Database (v2.1.1), indicating it is not a common polymorphism. Computational analyses predict that this variant is deleterious (REVEL: 0.773). Due to limited information, the clinical significance of this variant is uncertain at this time.

Blueprint Genetics
Classification: Uncertain significance. Last evaluated: 2024-08-13. Review status: criteria provided, single submitter. Criteria: ACMG Guidelines, 2015. Collection method: clinical testing. Allele origin: germline.

Fulgent Genetics
Classification: Uncertain significance for Cataract 41; Type 2 diabetes mellitus; Wolfram syndrome 1; Autosomal dominant nonsyndromic hearing loss 6; Wolfram-like syndrome. Last evaluated: 2024-04-02. Review status: criteria provided, single submitter. Criteria: ACMG Guidelines, 2015. Collection method: clinical testing. Allele origin: germline.

GeneDx
Classification: Uncertain significance. Last evaluated: 2021-09-14. Review status: criteria provided, single submitter. Criteria: GeneDx Variant Classification Process June 2021. Collection method: clinical testing. Allele origin: germline. Affected: yes.
Comment: Not observed at significant frequency in large population cohorts (Lek et al., 2016); In silico analysis supports that this missense variant has a deleterious effect on protein structure/function; Has not been previously published as pathogenic or benign to our knowledge

Laboratory for Molecular Medicine, Mass General Brigham Personalized Medicine
Classification: Uncertain significance. Last evaluated: 2014-09-29. Review status: criteria provided, single submitter. Criteria: LMM Criteria. Collection method: clinical testing. Allele origin: germline. Observed: 1 variant allele.
Comment: The p.Ala519Val variant in WFS1 has not been previously reported in individuals with hearing loss but has been identified in 0.833% (1/120) of Columbian chromos omes by the 1000 Genomes Project (dbSNP rs201557396). Computational prediction t ools and conservation analysis suggest that this variant may impact the protein, though this information is not predictive enough to determine pathogenicity. In summary, the clinical significance of the Ala519Val variant is uncertain.